The following is an entry in ClinVar:

NM_001743.6(CALM2):c.-33G>A

Gene: CALM2 (calmodulin 2; minus strand). Cytogenetic location: 2p21.
Variant type: single nucleotide variant.
Coding change: c.-33G>A on transcript NM_001743.6 (MANE Select); 33 bases upstream of the start codon, G replaced by A.
Molecular consequence: 5 prime UTR variant. On other transcripts: synonymous variant (1), intron variant (1).
Genome position (GRCh38, 1-based): chr2:47,176,476, C>T on the plus strand (G>A on the coding strand, the complement: CALM2 is on the minus strand). VCF-style: chr2-47176476-C-T. GRCh37 (hg19) VCF-style: chr2-47403615-C-T.
Other names: c.66G>A, p.Val22= (NM_001305624.1); c.-106+373G>A (NM_001305625.2).
Identifiers: ClinVar variation 514321 (VCV000514321.1), dbSNP rs751238382, ClinGen allele CA46706499.

ClinVar aggregate classification (germline): Likely benign (1 of 4 stars; one submission).

Allele frequency attached by ClinVar (database versions not stated): gnomAD 0.00002; TOPMed 0.00002; gnomAD exomes 0.00003.
gnomAD v4.1: 42 of 1,613,654 alleles (0.0026%); highest among the groups gnomAD compares: Non-Finnish European, 0.0035%; no homozygotes.

Submission:

GeneDx
Classification: Likely benign. Last evaluated: 2017-12-27. Review status: criteria provided, single submitter. Criteria: GeneDx Variant Classification (06012015). Collection method: clinical testing. Allele origin: germline. Affected: yes.
Comment: This variant is considered likely benign or benign based on one or more of the following criteria: it is a conservative change, it occurs at a poorly conserved position in the protein, it is predicted to be benign by multiple in silico algorithms, and/or has population frequency not consistent with disease.